The following is an entry in ClinVar:

NM_000321.3(RB1):c.219_220dup (p.Ala74fs)

Gene: RB1 (RB transcriptional corepressor 1; plus strand). Cytogenetic location: 13q14.2.
Variant type: Microsatellite.
Coding change: c.219_220dup on transcript NM_000321.3 (MANE Select); coding-DNA positions 219 to 220, 2 bases duplicated (AG; older notation c.219_220dupAG).
Protein change: p.Ala74fs; shifts the reading frame from alanine 74.
Molecular consequence: frameshift variant.
Genome position (GRCh38, 1-based): chr13:48,307,361-48,307,362, AG duplicated; duplicating any 2 consecutive bases within chr13:48,307,353-48,307,362 gives the same sequence; the c. name uses the placement nearest the transcript's 3' end. VCF-style (leftmost placement, unchanged base first): chr13-48307352-C-CAG. GRCh37 (hg19) VCF-style: chr13-48881488-C-CAG.
Other names: c.219_220dup (NM_000321.2); c.219_220dup, p.Ala74fs (NM_001407167.1, NM_001407165.1, NM_001407166.1); short protein forms A74fs.
Identifiers: ClinVar variation 3237091 (VCV003237091.3), dbSNP rs587778862.

ClinVar aggregate classification (germline): Pathogenic/Likely pathogenic. Review status: criteria provided, multiple submitters, no conflicts (2 of 4 stars). 3 submissions from 3 submitters: Pathogenic (2); Likely pathogenic (1). Last evaluated 2026-05-29.

Conditions:
Retinoblastoma (RB1). Also called: RETINOBLASTOMA, SOMATIC. Identifiers: Orphanet 790, MedGen C0035335, MeSH D012175, MONDO:0008380, OMIM 180200, HP:0009919. Disease mechanism: loss of function. Inheritance: Both sporadic and heritable forms are tested..

Submissions (3):

Diller/Parad Lab, Dana-Farber/Harvard Cancer Center
Classification: Likely pathogenic for Retinoblastoma. Last evaluated: 2026-05-29. Review status: criteria provided, single submitter. Criteria: ACMG Guidelines, 2015. Collection method: research. Allele origin: germline. Affected: yes.
Comment: It has been classified as Likely Pathogenic using Richards et al (PMID:25741868) based on the following evidence codes: PM2, PVS1.

GeneDx
Classification: Pathogenic. Last evaluated: 2025-07-07. Review status: criteria provided, single submitter. Criteria: GeneDx Variant Classification Process June 2021. Collection method: clinical testing. Allele origin: germline. Affected: yes.
Comment: Frameshift variant predicted to result in protein truncation or nonsense mediated decay in a gene for which loss of function is a known mechanism of disease; Not observed at significant frequency in large population cohorts (gnomAD); Also published as c.220_221insAG and g.5506-5507insAG; This variant is associated with the following publications: (PMID: 30031154, 15166261, 34190019, 34277001, 31772335)

Genetic Diagnostic Laboratory, University of Pennsylvania School of Medicine
Classification: Pathogenic for Retinoblastoma. Last evaluated: 2024-05-20. Review status: criteria provided, single submitter. Criteria: ACMG Guidelines, 2015. Collection method: clinical testing. Allele origin: germline. Affected: yes. Observed: 1 variant allele.
Comment: Case and Pedigree Information: BILATERAL CASES:1, UNILATERAL CASES:0, TOTAL CASES:1, PEDIGREES:1. ACMG Codes Applied:PVS1, PM2